The following is an entry in ClinVar:

NM_000660.7(TGFB1):c.271G>A (p.Glu91Lys)

Genes: TGFB1 (transforming growth factor beta 1; minus strand), LOC130064510 (ATAC-STARR-seq lymphoblastoid silent region 10661; plus strand). Cytogenetic location: 19q13.2.
Variant type: single nucleotide variant.
Coding change: c.271G>A on transcript NM_000660.7 (MANE Select); coding-DNA position 271, G replaced by A.
Protein change: p.Glu91Lys; replaces glutamic acid 91 with lysine.
Molecular consequence: missense variant.
Genome position (GRCh38, 1-based): chr19:41,352,774, C>T on the plus strand (G>A on the coding strand, the complement: TGFB1 is on the minus strand). VCF-style: chr19-41352774-C-T. GRCh37 (hg19) VCF-style: chr19-41858679-C-T.
Other names: short protein forms E91K.
Identifiers: ClinVar variation 1897309 (VCV001897309.5), dbSNP rs1380678885, ClinGen allele CA406005175.

ClinVar aggregate classification (germline): Uncertain significance (1 of 4 stars; one submission).

Allele frequency attached by ClinVar (database versions not stated): gnomAD exomes 0.00001.
gnomAD v4.1: 8 of 1,611,142 alleles (0.0005%); highest among the groups gnomAD compares: Non-Finnish European, 0.00059%; no homozygotes.

Submission:

Labcorp Genetics (formerly Invitae), Labcorp
Classification: Uncertain significance. Last evaluated: 2025-12-23. Review status: criteria provided, single submitter. Criteria: Invitae Variant Classification Sherloc (09022015). Collection method: clinical testing. Allele origin: germline.
Comment: This sequence change replaces glutamic acid, which is acidic and polar, with lysine, which is basic and polar, at codon 91 of the TGFB1 protein (p.Glu91Lys). This variant is present in population databases (no rsID available, gnomAD 0.002%). This variant has not been reported in the literature in individuals affected with TGFB1-related conditions. ClinVar contains an entry for this variant (Variation ID: 1897309). Invitae Evidence Modeling of protein sequence and biophysical properties (such as structural, functional, and spatial information, amino acid conservation, physicochemical variation, residue mobility, and thermodynamic stability) indicates that this missense variant is not expected to disrupt TGFB1 protein function with a negative predictive value of 80%. In summary, the available evidence is currently insufficient to determine the role of this variant in disease. Therefore, it has been classified as a Variant of Uncertain Significance.